The following is an entry in ClinVar:

ClinVar aggregate classification (germline): Pathogenic (1 of 4 stars; one submission).

Submission:

Labcorp Genetics (formerly Invitae), Labcorp
Classification: Pathogenic. Last evaluated: 2023-10-04. Review status: criteria provided, single submitter. Criteria: Invitae Variant Classification Sherloc (09022015). Collection method: clinical testing. Allele origin: germline.
Comment: This sequence change creates a premature translational stop signal (p.Phe1135Serfs*53) in the CACNA1F gene. It is expected to result in an absent or disrupted protein product. Loss-of-function variants in CACNA1F are known to be pathogenic (PMID: 9662399, 11281458, 17525176, 22194652, 24124559, 26992781). This variant is not present in population databases (gnomAD no frequency). This variant has not been reported in the literature in individuals affected with CACNA1F-related conditions. For these reasons, this variant has been classified as Pathogenic.

Literature cited by the submitters: PubMed 9662399; PubMed 11281458; PubMed 17525176; PubMed 22194652; PubMed 24124559; PubMed 26992781.

NM_001256789.3(CACNA1F):c.3371del (p.Phe1124fs)

Gene: CACNA1F (calcium voltage-gated channel subunit alpha1 F; minus strand). Cytogenetic location: Xp11.23.
Variant type: Deletion.
Coding change: c.3371del on transcript NM_001256789.3 (MANE Select); coding-DNA position 3371, one base deleted (T; older notation c.3371delT).
Protein change: p.Phe1124fs; shifts the reading frame from phenylalanine 1124.
Molecular consequence: frameshift variant.
Genome position (GRCh38, 1-based): chrX:49,215,409, A deleted on the plus strand (T on the coding strand, the reverse complement: CACNA1F is on the minus strand); the first of 2 consecutive A bases (chrX:49,215,409-49,215,410); deleting either gives the same sequence. VCF-style (leftmost placement, unchanged base first): chrX-49215408-GA-G. GRCh37 (hg19) VCF-style: chrX-49071868-GA-G.
Other names: c.3209del, p.Phe1070fs (NM_001256790.3); c.3404del, p.Phe1135fs (NM_005183.4); short protein forms F1070fs, F1135fs, F1124fs.
Identifiers: ClinVar variation 2763656 (VCV002763656.3), dbSNP rs2520872355, ClinGen allele CA2697553105.
Genomic context (GRCh38, chrX:49,215,408, plus strand): 5'-CTTGTCCAGCTCACAGTTTTGGTACTCCTGCTCGCCCTGGGCACGGAAAGTGATGATGAC[GA>G]AGCCCACGAAGATGTTCATCATGAAGAACGCAATGATGATGATGTAGACAATGAAGAACA-3'